The following is an entry in ClinVar:

ClinVar aggregate classification (germline): Uncertain significance (1 of 4 stars; one submission).

Conditions:
Inborn genetic diseases. Identifiers: MedGen C0950123, MeSH D030342.

Submission:

Ambry Genetics
Classification: Uncertain significance for Inborn genetic diseases. Last evaluated: 2025-11-15. Review status: criteria provided, single submitter. Criteria: Ambry Variant Classification Scheme 2023. Collection method: clinical testing. Allele origin: germline.
Comment: The p.S909Y variant (also known as c.2726C>A), located in coding exon 28 of the FANCA gene, results from a C to A substitution at nucleotide position 2726. The serine at codon 909 is replaced by tyrosine, an amino acid with dissimilar properties. This amino acid position is conserved. In addition, the in silico prediction for this alteration is inconclusive. Based on the available evidence, the clinical significance of this variant remains unclear.

NM_000135.4(FANCA):c.2726C>A (p.Ser909Tyr)

Gene: FANCA (FA complementation group A; minus strand). Cytogenetic location: 16q24.3.
Variant type: single nucleotide variant.
Coding change: c.2726C>A on transcript NM_000135.4 (MANE Select); coding-DNA position 2726, C replaced by A.
Protein change: p.Ser909Tyr; replaces serine 909 with tyrosine.
Molecular consequence: missense variant.
Genome position (GRCh38, 1-based): chr16:89,764,942, G>T on the plus strand (C>A on the coding strand, the complement: FANCA is on the minus strand). VCF-style: chr16-89764942-G-T. GRCh37 (hg19) VCF-style: chr16-89831350-G-T.
Other names: c.2726C>A, p.Ser909Tyr (NM_001286167.3); short protein forms S909Y.
Identifiers: ClinVar variation 4619272 (VCV004619272.1).